The following is an entry in ClinVar:

ClinVar aggregate classification (germline): Likely pathogenic. Review status: criteria provided, multiple submitters, no conflicts (2 of 4 stars). 2 submissions from 2 submitters: Likely pathogenic (2). Last evaluated 2025-02-03.

Conditions:
Pituitary adenoma 5, multiple types. Identifiers: MedGen C4539685, MONDO:0054601, OMIM 617540.
Usher syndrome type 1 (USH1). Also called: RETINITIS PIGMENTOSA AND CONGENITAL DEAFNESS. Identifiers: Orphanet 231169, Orphanet 886, MedGen C1568247, MONDO:0010168, OMIM 276900.

Submissions (2):

Natera, Inc.
Classification: Likely pathogenic for Usher syndrome type 1. Last evaluated: 2025-02-03. Review status: criteria provided, single submitter. Criteria: Natera Variant Classification Schema (03/2026). Collection method: clinical testing. Allele origin: germline.
Comment: The c.2394del variant in CDH23 is a frameshift variant predicted to shift the reading frame beginning at codon 799 and leads to a stop codon 54 codons downstream. This variant is expected to result in nonsense mediated decay, truncation, or a dysfunctional protein product. This variant is rare in the general population with a frequency below the threshold expected for the associated phenotype(s). Given the available evidence, this variant is classified as Likely Pathogenic.

Baylor Genetics
Classification: Likely pathogenic for Pituitary adenoma 5, multiple types. Last evaluated: 2021-12-29. Review status: criteria provided, single submitter. Criteria: ACMG Guidelines, 2015. Collection method: clinical testing. Allele origin: unknown.

NM_022124.6(CDH23):c.2394del (p.Thr799fs)

Gene: CDH23 (cadherin related 23; plus strand). Cytogenetic location: 10q22.1.
Variant type: Deletion.
Coding change: c.2394del on transcript NM_022124.6 (MANE Select); coding-DNA position 2394, one base deleted (C; older notation c.2394delC).
Protein change: p.Thr799fs; shifts the reading frame from threonine 799.
Molecular consequence: frameshift variant.
Genome position (GRCh38, 1-based): chr10:71,695,522, C deleted; the last of 2 consecutive C bases (chr10:71,695,521-71,695,522); deleting either gives the same sequence. VCF-style (leftmost placement, unchanged base first): chr10-71695520-AC-A. GRCh37 (hg19) VCF-style: chr10-73455277-AC-A.
Other names: c.2394del, p.Thr799fs (NM_001171930.2, NM_001171931.2); c.2394del (NM_022124.5); short protein forms T799fs.
Identifiers: ClinVar variation 2680529 (VCV002680529.3), dbSNP rs2494022190, ClinGen allele CA2574574712.